The following is an entry in ClinVar:

ClinVar aggregate classification (germline): Uncertain significance (1 of 4 stars; one submission).

Submission:

GeneDx
Classification: Uncertain significance. Last evaluated: 2025-02-25. Review status: criteria provided, single submitter. Criteria: GeneDx Variant Classification Process June 2021. Collection method: clinical testing. Allele origin: germline. Affected: yes.
Comment: Not observed at significant frequency in large population cohorts (gnomAD); In silico analysis indicates that this missense variant does not alter protein structure/function; Has not been previously published as pathogenic or benign to our knowledge

NM_001161352.2(KCNMA1):c.610G>C (p.Glu204Gln)

Gene: KCNMA1 (potassium calcium-activated channel subfamily M alpha 1; minus strand). Cytogenetic location: 10q22.3.
Variant type: single nucleotide variant.
Coding change: c.610G>C on transcript NM_001161352.2 (MANE Select); coding-DNA position 610, G replaced by C.
Protein change: p.Glu204Gln; replaces glutamic acid 204 with glutamine.
Molecular consequence: missense variant.
Genome position (GRCh38, 1-based): chr10:77,184,909, C>G on the plus strand (G>C on the coding strand, the complement: KCNMA1 is on the minus strand). VCF-style: chr10-77184909-C-G. GRCh37 (hg19) VCF-style: chr10-78944667-C-G.
Other names: c.610G>C, p.Glu204Gln (NM_001014797.3, NM_001161353.2, NM_001410940.1 and 9 more transcripts); c.742G>C, p.Glu248Gln (NM_001437422.1); c.448G>C, p.Glu150Gln (NM_001271518.2); c.70G>C, p.Glu24Gln (NM_001322838.2); short protein forms E150Q, E204Q, E248Q, E24Q.
Identifiers: ClinVar variation 4082590 (VCV004082590.1).